The following is an entry in ClinVar:

NM_004974.4(KCNA2):c.1052C>T (p.Ala351Val)

Gene: KCNA2 (potassium voltage-gated channel subfamily A member 2; minus strand). Cytogenetic location: 1p13.3.
Variant type: single nucleotide variant.
Coding change: c.1052C>T on transcript NM_004974.4 (MANE Select); coding-DNA position 1052, C replaced by T.
Protein change: p.Ala351Val; replaces alanine 351 with valine.
Molecular consequence: missense variant. On other transcripts: intron variant (1).
Genome position (GRCh38, 1-based): chr1:110,603,731, G>A on the plus strand (C>T on the coding strand, the complement: KCNA2 is on the minus strand). VCF-style: chr1-110603731-G-A. GRCh37 (hg19) VCF-style: chr1-111146353-G-A.
Other names: c.894+158C>T (NM_001204269.2); short protein forms A351V.
Identifiers: ClinVar variation 3727375 (VCV003727375.2).

ClinVar aggregate classification (germline): Uncertain significance (1 of 4 stars; one submission).

Conditions:
Developmental and epileptic encephalopathy, 32 (DEE32). Also called: Epileptic encephalopathy, early infantile, 32. Identifiers: Orphanet 442835, MedGen C4225350, MONDO:0014607, OMIM 616366.

Submission:

Labcorp Genetics (formerly Invitae), Labcorp
Classification: Uncertain significance for Developmental and epileptic encephalopathy, 32. Last evaluated: 2024-09-10. Review status: criteria provided, single submitter. Criteria: Invitae Variant Classification Sherloc (09022015). Collection method: clinical testing. Allele origin: germline.
Comment: This sequence change replaces alanine, which is neutral and non-polar, with valine, which is neutral and non-polar, at codon 351 of the KCNA2 protein (p.Ala351Val). This variant is not present in population databases (gnomAD no frequency). This variant has not been reported in the literature in individuals affected with KCNA2-related conditions. Invitae Evidence Modeling of protein sequence and biophysical properties (such as structural, functional, and spatial information, amino acid conservation, physicochemical variation, residue mobility, and thermodynamic stability) indicates that this missense variant is not expected to disrupt KCNA2 protein function with a negative predictive value of 80%. In summary, the available evidence is currently insufficient to determine the role of this variant in disease. Therefore, it has been classified as a Variant of Uncertain Significance.